The following is an entry in ClinVar:

NM_138694.4(PKHD1):c.1567dup (p.Ser523fs)

Gene: PKHD1 (PKHD1 ciliary IPT domain containing fibrocystin/polyductin; minus strand). Cytogenetic location: 6p12.2.
Variant type: Duplication.
Coding change: c.1567dup on transcript NM_138694.4 (MANE Select); coding-DNA position 1567, one base duplicated (A; older notation c.1567dupA).
Protein change: p.Ser523fs; shifts the reading frame from serine 523.
Molecular consequence: frameshift variant.
Genome position (GRCh38, 1-based): chr6:52,056,925, T duplicated on the plus strand (A on the coding strand, the reverse complement: PKHD1 is on the minus strand). VCF-style (leftmost placement, unchanged base first): chr6-52056924-C-CT. GRCh37 (hg19) VCF-style: chr6-51921722-C-CT.
Other names: c.1567dup, p.Ser523fs (NM_170724.3); short protein forms S523fs.
Identifiers: ClinVar variation 4816582 (VCV004816582.1).

ClinVar aggregate classification (germline): Likely pathogenic (1 of 4 stars; one submission).

Conditions:
Autosomal recessive polycystic kidney disease (ARPKD). Also called: AR polycystic kidney disease. Identifiers: Orphanet 731, Orphanet 8378, MedGen C0085548, MeSH D017044, MONDO:0009889.

Submission:

Natera, Inc.
Classification: Likely pathogenic for Autosomal recessive polycystic kidney disease. Last evaluated: 2025-08-21. Review status: criteria provided, single submitter. Criteria: Natera Variant Classification Schema (03/2026). Collection method: clinical testing. Allele origin: germline.
Comment: The c.1567dup variant in PKHD1 is a frameshift variant predicted to shift the reading frame beginning at codon 523 and leads to a stop codon 18 codons downstream. This variant is expected to result in nonsense mediated decay, truncation, or a dysfunctional protein product. This variant is rare in the general population with a frequency below the threshold expected for the associated phenotype(s). Given the available evidence, this variant is classified as Likely Pathogenic.